The following is an entry in ClinVar:

ClinVar aggregate classification (germline): Uncertain significance (1 of 4 stars; one submission).

Conditions:
Left ventricular noncompaction 8 (LVNC8). Identifiers: Orphanet 154, Orphanet 54260, MedGen C3809288, MONDO:0014152, OMIM 615373.

gnomAD v4.1: 11 of 1,614,042 alleles (0.00068%); highest among the groups gnomAD compares: South Asian, 0.012%; no homozygotes.

Submission:

Labcorp Genetics (formerly Invitae), Labcorp
Classification: Uncertain significance for Left ventricular noncompaction 8. Last evaluated: 2025-02-23. Review status: criteria provided, single submitter. Criteria: Invitae Variant Classification Sherloc (09022015). Collection method: clinical testing. Allele origin: germline.
Comment: This sequence change replaces aspartic acid, which is acidic and polar, with asparagine, which is neutral and polar, at codon 1117 of the PRDM16 protein (p.Asp1117Asn). This variant is present in population databases (rs752685996, gnomAD 0.01%). This variant has not been reported in the literature in individuals affected with PRDM16-related conditions. An algorithm developed to predict the effect of missense changes on protein structure and function (PolyPhen-2) suggests that this variant is likely to be tolerated. In summary, the available evidence is currently insufficient to determine the role of this variant in disease. Therefore, it has been classified as a Variant of Uncertain Significance.

NM_022114.4(PRDM16):c.3349G>A (p.Asp1117Asn)

Gene: PRDM16 (PR/SET domain 16; plus strand). Cytogenetic location: 1p36.32.
Variant type: single nucleotide variant.
Coding change: c.3349G>A on transcript NM_022114.4 (MANE Select); coding-DNA position 3349, G replaced by A.
Protein change: p.Asp1117Asn; replaces aspartic acid 1117 with asparagine.
Molecular consequence: missense variant.
Genome position (GRCh38, 1-based): chr1:3,430,936, G>A. VCF-style: chr1-3430936-G-A. GRCh37 (hg19) VCF-style: chr1-3347500-G-A.
Other names: c.3349G>A, p.Asp1117Asn (NM_199454.3); short protein forms D1117N.
Identifiers: ClinVar variation 4810257 (VCV004810257.1).